The following is an entry in ClinVar:

NM_005458.8(GABBR2):c.56C>A (p.Pro19Gln)

Gene: GABBR2 (gamma-aminobutyric acid type B receptor subunit 2; minus strand). Cytogenetic location: 9q22.33.
Variant type: single nucleotide variant.
Coding change: c.56C>A on transcript NM_005458.8 (MANE Select); coding-DNA position 56, C replaced by A.
Protein change: p.Pro19Gln; replaces proline 19 with glutamine.
Molecular consequence: missense variant.
Genome position (GRCh38, 1-based): chr9:98,708,682, G>T on the plus strand (C>A on the coding strand, the complement: GABBR2 is on the minus strand). VCF-style: chr9-98708682-G-T. GRCh37 (hg19) VCF-style: chr9-101470964-G-T.
Other names: short protein forms P19Q.
Identifiers: ClinVar variation 2797059 (VCV002797059.3), dbSNP rs1054346747, ClinGen allele CA374212923.

ClinVar aggregate classification (germline): Uncertain significance (1 of 4 stars; one submission).

Conditions:
Epileptic encephalopathy. Identifiers: MedGen C0543888, HP:0200134.

Submission:

Labcorp Genetics (formerly Invitae), Labcorp
Classification: Uncertain significance for Epileptic encephalopathy. Last evaluated: 2023-03-20. Review status: criteria provided, single submitter. Criteria: Invitae Variant Classification Sherloc (09022015). Collection method: clinical testing. Allele origin: germline.
Comment: In summary, the available evidence is currently insufficient to determine the role of this variant in disease. Therefore, it has been classified as a Variant of Uncertain Significance. Experimental studies and prediction algorithms are not available or were not evaluated, and the functional significance of this variant is currently unknown. This variant has not been reported in the literature in individuals affected with GABBR2-related conditions. The frequency data for this variant in the population databases is considered unreliable, as metrics indicate insufficient coverage at this position in the gnomAD database. This sequence change replaces proline, which is neutral and non-polar, with glutamine, which is neutral and polar, at codon 19 of the GABBR2 protein (p.Pro19Gln).